The following is an entry in ClinVar:

NM_002471.4(MYH6):c.4745A>G (p.Asp1582Gly)

Genes: MYH6 (myosin heavy chain 6; minus strand), LOC126861896 (BRD4-independent group 4 enhancer GRCh37_chr14:23854904-23856103; plus strand). Cytogenetic location: 14q11.2.
Variant type: single nucleotide variant.
Coding change: c.4745A>G on transcript NM_002471.4 (MANE Select); coding-DNA position 4745, A replaced by G.
Protein change: p.Asp1582Gly; replaces aspartic acid 1582 with glycine.
Molecular consequence: missense variant.
Genome position (GRCh38, 1-based): chr14:23,386,529, T>C on the plus strand (A>G on the coding strand, the complement: MYH6 is on the minus strand). VCF-style: chr14-23386529-T-C. GRCh37 (hg19) VCF-style: chr14-23855738-T-C.
Other names: short protein forms D1582G.
Identifiers: ClinVar variation 655255 (VCV000655255.10), dbSNP rs748264121, ClinGen allele CA7114647.
Genomic context (GRCh38, chr14:23,386,529, plus strand): 5'-GAGGTCTGCAGCGAGTCCACCACCCGCTGGTGGTTGCGCTTGGCCTGTTCCATCTCCTCG[T>C]CCTTCTCTGCCAGCTTCCGCTCGATCTCTGCCTTGATCTGGTTGAACTCTAGCTGGGCCC-3'
Protein context (NP_002462.2, residues 1572-1592): AEIERKLAEK[Asp1582Gly]EEMEQAKRNH

ClinVar aggregate classification (germline): Uncertain significance. Review status: criteria provided, multiple submitters, no conflicts (2 of 4 stars). 2 submissions from 2 submitters: Uncertain significance (2). Last evaluated 2025-08-25.

Conditions:
Cardiovascular phenotype. Identifiers: MedGen CN230736.
Hypertrophic cardiomyopathy 14. Identifiers: MedGen C2750467, MONDO:0013197, OMIM 613251.

Allele frequency attached by ClinVar (database versions not stated): gnomAD exomes below 0.00001 and 0.00002; ExAC 0.00001; gnomAD 0.00001; TOPMed 0.00002.
gnomAD v4.1: 25 of 1,613,940 alleles (0.0015%); highest among the groups gnomAD compares: Non-Finnish European, 0.0021%; no homozygotes.

Submissions (2):

Ambry Genetics
Classification: Uncertain significance for Cardiovascular phenotype. Last evaluated: 2025-08-25. Review status: criteria provided, single submitter. Criteria: Ambry Variant Classification Scheme 2023. Collection method: clinical testing. Allele origin: germline.
Comment: The p.D1582G variant (also known as c.4745A>G), located in coding exon 31 of the MYH6 gene, results from an A to G substitution at nucleotide position 4745. The aspartic acid at codon 1582 is replaced by glycine, an amino acid with similar properties. This variant was reported in individual(s) with features consistent with cardiomyopathy (Bagnall RD et al. Circ Genom Precis Med, 2022 Dec;15:e003686). This amino acid position is highly conserved in available vertebrate species. In addition, this alteration is predicted to be deleterious by in silico analysis. Based on the available evidence, the clinical significance of this variant remains unclear.

Labcorp Genetics (formerly Invitae), Labcorp
Classification: Uncertain significance for Hypertrophic cardiomyopathy 14. Last evaluated: 2025-02-23. Review status: criteria provided, single submitter. Criteria: Invitae Variant Classification Sherloc (09022015). Collection method: clinical testing. Allele origin: germline.
Comment: This sequence change replaces aspartic acid, which is acidic and polar, with glycine, which is neutral and non-polar, at codon 1582 of the MYH6 protein (p.Asp1582Gly). This variant is present in population databases (rs748264121, gnomAD 0.0009%). This missense change has been observed in individual(s) with dilated cardiomyopathy (PMID: 36252119). ClinVar contains an entry for this variant (Variation ID: 655255). Invitae Evidence Modeling of protein sequence and biophysical properties (such as structural, functional, and spatial information, amino acid conservation, physicochemical variation, residue mobility, and thermodynamic stability) indicates that this missense variant is expected to disrupt MYH6 protein function with a positive predictive value of 80%. In summary, the available evidence is currently insufficient to determine the role of this variant in disease. Therefore, it has been classified as a Variant of Uncertain Significance.

Literature cited by the submitters: PubMed 36252119 (cited by Ambry Genetics and Labcorp Genetics (formerly Invitae), Labcorp).